The following is an entry in ClinVar:

NM_004937.3(CTNS):c.226-11C>T

Genes: CTNS (cystinosin, lysosomal cystine transporter; plus strand), CTNS-AS1 (CTNS antisense RNA 1; minus strand). Cytogenetic location: 17p13.2.
Variant type: single nucleotide variant.
Coding change: c.226-11C>T on transcript NM_004937.3 (MANE Select); 11 bases into the intron before coding-DNA position 226, C replaced by T.
Molecular consequence: intron variant.
Genome position (GRCh38, 1-based): chr17:3,654,987, C>T. VCF-style: chr17-3654987-C-T. GRCh37 (hg19) VCF-style: chr17-3558281-C-T.
Other names: c.226-11C>T (NM_001031681.3, NM_001374492.1); c.-216-11C>T (NM_001374493.1, NM_001374495.1, NM_001374494.1 and 1 more transcripts).
Identifiers: ClinVar variation 1707136 (VCV001707136.7), dbSNP rs376900566, ClinGen allele CA8291640.

ClinVar aggregate classification (germline): Likely benign. Review status: criteria provided, multiple submitters, no conflicts (2 of 4 stars). 2 submissions from 2 submitters: Likely benign (2). Last evaluated 2026-01-14.

Conditions:
Juvenile nephropathic cystinosis. Also called: Intermediate Cystinosis; CYSTINOSIS, LATE-ONSET JUVENILE OR ADOLESCENT NEPHROPATHIC TYPE; Later-Onset (Juvenile) Cystinosis. Identifiers: Orphanet 213, Orphanet 411634, MedGen C0268626, MONDO:0009066, OMIM 219900.
Inborn genetic diseases. Identifiers: MedGen C0950123, MeSH D030342.
Ocular cystinosis. Also called: Non-Nephropathic Cystinosis; Non-Nephropathic (Ocular) Cystinosis. Identifiers: Orphanet 213, Orphanet 411641, MedGen C2931013, MONDO:0009064, OMIM 219750.

Allele frequency attached by ClinVar (database versions not stated): ExAC 0.00007; gnomAD 0.00007; TOPMed 0.00009; ESP Exome Variant Server 0.00015.
gnomAD v4.1: 278 of 1,601,216 alleles (0.017%); highest among the groups gnomAD compares: Non-Finnish European, 0.023%; no homozygotes.

Submissions (2):

Labcorp Genetics (formerly Invitae), Labcorp
Classification: Likely benign for Inborn genetic diseases; Ocular cystinosis; Juvenile nephropathic cystinosis. Last evaluated: 2026-01-14. Review status: criteria provided, single submitter. Criteria: Invitae Variant Classification Sherloc (09022015). Collection method: clinical testing. Allele origin: germline.

GeneDx
Classification: Likely benign. Last evaluated: 2019-01-23. Review status: criteria provided, single submitter. Criteria: GeneDx Variant Classification Process June 2021. Collection method: clinical testing. Allele origin: germline. Affected: yes.
Comment: See Variant Classification Assertion Criteria.